The following is an entry in ClinVar:

NM_000474.4(TWIST1):c.95G>C (p.Gly32Ala)

Gene: TWIST1 (twist family bHLH transcription factor 1; minus strand). Cytogenetic location: 7p21.1.
Variant type: single nucleotide variant.
Coding change: c.95G>C on transcript NM_000474.4 (MANE Select); coding-DNA position 95, G replaced by C.
Protein change: p.Gly32Ala; replaces glycine 32 with alanine.
Molecular consequence: missense variant. On other transcripts: non-coding transcript variant (1).
Genome position (GRCh38, 1-based): chr7:19,117,227, C>G on the plus strand (G>C on the coding strand, the complement: TWIST1 is on the minus strand). VCF-style: chr7-19117227-C-G. GRCh37 (hg19) VCF-style: chr7-19156850-C-G.
Other names: short protein forms G32A.
Identifiers: ClinVar variation 4847732 (VCV004847732.1).

ClinVar aggregate classification (germline): Uncertain significance (1 of 4 stars; one submission).

Submission:

Women's Health and Genetics/Laboratory Corporation of America, LabCorp
Classification: Uncertain significance. Last evaluated: 2026-03-24. Review status: criteria provided, single submitter. Criteria: LabCorp Variant Classification Summary - May 2015. Collection method: clinical testing. Allele origin: germline.
Comment: Variant summary: TWIST1 c.95G>C (p.Gly32Ala) results in a non-conservative amino acid change in the encoded protein sequence. Algorithms developed to predict the effect of missense changes on protein structure and function are either unavailable or do not agree on the potential impact of this missense change. The variant was absent in 77184 control chromosomes. The available data on variant occurrences in the general population are insufficient to allow any conclusion about variant significance. To our knowledge, no occurrence of c.95G>C in individuals affected with TWIST1-related conditions and no experimental evidence demonstrating its impact on protein function have been reported. No submitters have cited clinical-significance assessments for this variant to ClinVar. Based on the evidence outlined above, the variant was classified as uncertain significance.